The following is an entry in ClinVar:

ClinVar aggregate classification (germline): Likely pathogenic (1 of 4 stars; one submission).

Conditions:
ANK3-related disorder. Also called: ANK3-related condition.

gnomAD v4.1: 6 of 1,515,992 alleles (0.0004%); highest among the groups gnomAD compares: East Asian, 0.005%; no homozygotes.

Submission:

PreventionGenetics, part of Exact Sciences
Classification: Likely pathogenic for ANK3-related condition. Last evaluated: 2025-02-12. Review status: criteria provided, single submitter. Criteria: ACMG Guidelines, 2015. Collection method: clinical testing. Allele origin: germline.
Comment: The ANK3 c.82C>T variant is predicted to result in premature protein termination (p.Arg28*). To our knowledge, this variant has not been reported in the literature. This variant is reported in 0.018% of alleles in individuals of East Asian descent in gnomAD. Nonsense variants in ANK3 are expected to be pathogenic. This variant is interpreted as likely pathogenic.

NM_001204403.2(ANK3):c.82C>T (p.Arg28Ter)

Gene: ANK3 (ankyrin 3; minus strand). Cytogenetic location: 10q21.2.
Variant type: single nucleotide variant.
Coding change: c.82C>T on transcript NM_001204403.2; coding-DNA position 82, C replaced by T.
Protein change: p.Arg28Ter; replaces arginine 28 with a stop codon.
Molecular consequence: nonsense.
Genome position (GRCh38, 1-based): chr10:60,615,200, G>A on the plus strand (C>T on the coding strand, the complement: ANK3 is on the minus strand). VCF-style: chr10-60615200-G-A. GRCh37 (hg19) VCF-style: chr10-62374958-G-A.
Other names: short protein forms R28*.
Identifiers: ClinVar variation 4982271 (VCV004982271.1).